The following is an entry in ClinVar:

ClinVar aggregate classification (germline): Conflicting classifications of pathogenicity. Review status: criteria provided, conflicting classifications (1 of 4 stars). 9 submissions from 9 submitters: Uncertain significance (6); Likely benign (1). 2 of the submissions do not count toward it. Last evaluated 2025-04-17.

Conditions:
Breast and/or ovarian cancer. Identifiers: MedGen CN221562.
Hereditary cancer-predisposing syndrome. Also called: Tumor predisposition; Hereditary Cancer Syndrome; Hereditary neoplastic syndrome; Neoplastic Syndromes, Hereditary. Identifiers: Orphanet 140162, MedGen C0027672, MeSH D009386, MONDO:0015356.
Hereditary breast ovarian cancer syndrome. Also called: Breast and ovarian cancer; Hereditary breast and ovarian cancer; Hereditary breast and/or ovarian cancer syndrome; BRCA1- and BRCA2-Associated Hereditary Breast and Ovarian Cancer; Hereditary breast and ovarian cancer syndrome (HBOC); Hereditary breast and ovarian cancer syndrome. Identifiers: Orphanet 145, MedGen C0677776, MeSH D061325, MONDO:0003582. Disease mechanism: loss of function.

Allele frequency attached by ClinVar (database versions not stated): gnomAD exomes below 0.00001 and 0.00002; ExAC 0.00001.
gnomAD v4.1: 30 of 1,612,576 alleles (0.0019%); highest among the groups gnomAD compares: Non-Finnish European, 0.0025%; no homozygotes.

Submissions (9):

Ambry Genetics
Classification: Uncertain significance for Hereditary cancer-predisposing syndrome. Last evaluated: 2025-04-17. Review status: criteria provided, single submitter. Criteria: Ambry Variant Classification Scheme 2023. Collection method: clinical testing. Allele origin: germline.
Comment: The p.S1882P variant (also known as c.5644T>C), located in coding exon 10 of the BRCA2 gene, results from a T to C substitution at nucleotide position 5644. The serine at codon 1882 is replaced by proline, an amino acid with similar properties. This variant was reported in at least one individual undergoing genetic testing based on a personal and/or family history of HBOC-related disease (van der Hout AH et al. Hum Mutat, 2006 Jul;27:654-66). This amino acid position is not well conserved in available vertebrate species. In addition, the in silico prediction for this alteration is inconclusive. Based on the available evidence, the clinical significance of this variant remains unclear.

Labcorp Genetics (formerly Invitae), Labcorp
Classification: Uncertain significance for Hereditary breast ovarian cancer syndrome. Last evaluated: 2025-03-03. Review status: criteria provided, single submitter. Criteria: Invitae Variant Classification Sherloc (09022015). Collection method: clinical testing. Allele origin: germline.
Comment: This sequence change replaces serine, which is neutral and polar, with proline, which is neutral and non-polar, at codon 1882 of the BRCA2 protein (p.Ser1882Pro). This variant is present in population databases (rs730881538, gnomAD 0.0009%). This missense change has been observed in individual(s) with breast and/or ovarian cancer (PMID: 16683254). ClinVar contains an entry for this variant (Variation ID: 182219). Invitae Evidence Modeling of protein sequence and biophysical properties (such as structural, functional, and spatial information, amino acid conservation, physicochemical variation, residue mobility, and thermodynamic stability) indicates that this missense variant is not expected to disrupt BRCA2 protein function with a negative predictive value of 95%. In summary, the available evidence is currently insufficient to determine the role of this variant in disease. Therefore, it has been classified as a Variant of Uncertain Significance.

Color Diagnostics, LLC DBA Color Health
Classification: Uncertain significance for Hereditary cancer-predisposing syndrome. Last evaluated: 2023-07-24. Review status: criteria provided, single submitter. Criteria: ACMG Guidelines, 2015. Collection method: clinical testing. Allele origin: germline.
Comment: This missense variant replaces serine with proline at codon 1882 of the BRCA2 protein. Computational prediction suggests that this variant may not impact protein structure and function (internally defined REVEL score threshold <= 0.5, PMID: 27666373). To our knowledge, functional studies have not been reported for this variant. This variant has been reported in an individual affected with breast and/or ovarian cancer and two unaffected individuals (PMID: 16683254, 33471991; Leiden Open Variation Database DB-ID BRCA2_001601). This variant has been identified in 1/249428 chromosomes in the general population by the Genome Aggregation Database (gnomAD). The available evidence is insufficient to determine the role of this variant in disease conclusively. Therefore, this variant is classified as a Variant of Uncertain Significance.

CHEO Genetics Diagnostic Laboratory, Children's Hospital of Eastern Ontario
Classification: Uncertain significance for Breast and/or ovarian cancer. Last evaluated: 2023-06-12. Review status: criteria provided, single submitter. Criteria: ACMG Guidelines, 2015. Collection method: clinical testing. Allele origin: germline. Study: Canadian Open Genetics Repository.

University of Washington Department of Laboratory Medicine, University of Washington
Classification: Likely benign for Hereditary cancer-predisposing syndrome. Last evaluated: 2023-03-23. Review status: criteria provided, single submitter. Criteria: Dines et al. (Genet Med. 2020). Collection method: curation. Allele origin: germline.
Comment: Missense variant in a coldspot region where missense variants are very unlikely to be pathogenic (PMID:31911673).

BRCA2 exon 11 coldspot. Reclassification based on statistical prior probability.

Women's Health and Genetics/Laboratory Corporation of America, LabCorp
Classification: Uncertain significance. Last evaluated: 2017-06-08. Review status: criteria provided, single submitter. Criteria: LabCorp Variant Classification Summary - May 2015. Collection method: clinical testing. Allele origin: germline.
Comment: Variant summary: The BRCA2 c.5644T>C (p.Ser1882Pro) variant involves the alteration of a non-conserved nucleotide, resulting in a missense substitution that does not lie within a known functional domain (InterPro). 3/4 in silico tools predict a benign outcome for this variant (SNPsandGO not captured due to low reliability index). This variant was found in the large control database ExAC at a frequency of 0.0000083 (1/120634 control chromosomes), which does not exceed the estimated maximal expected allele frequency of a pathogenic BRCA2 variant (0.0007503). The variant has been identified in at least 1 HBOC family (van der Hout_HM_2006), but without strong evidence for pathogenicity. In addition, multiple clinical diagnostic laboratories/reputable databases have classified this variant as variant of uncertain significance. Taken together, this variant is classified as VUS.

GeneDx
Classification: Uncertain significance. Last evaluated: 2016-05-11. Review status: criteria provided, single submitter. Criteria: GeneDx Variant Classification (06012015). Collection method: clinical testing. Allele origin: germline. Affected: yes.
Comment: This variant is denoted BRCA2 c.5644T>C at the cDNA level, p.Ser1882Pro (S1882P) at the protein level, and results in the change of a Serine to a Proline (TCA>CCA). Using alternate nomenclature, this variant would be defined as BRCA2 5872T>C. This variant has been observed in at least one individual from a hereditary breast and/or ovarian cancer family (van der Hout 2006). BRCA2 Ser1882Pro was not observed in approximately 6,500 individuals of European and African American ancestry in the NHLBI Exome Sequencing Project, suggesting it is not a common benign variant in these populations. Since Serine and Proline differ in polarity, charge, size or other properties, this is considered a non-conservative amino acid substitution. BRCA2 Ser1882Pro occurs at a position that is not conserved and is located in RAD51 binding domain (Roy 2012). In silico analyses predict that this variant is unlikely to alter protein structure or function. Based on currently available evidence, it is unclear whether BRCA2 Ser1882Pro is a pathogenic or benign variant. We consider it to be a variant of uncertain significance.

Genome Diagnostics Laboratory, University Medical Center Utrecht
Classification: Likely benign. Review status: no assertion criteria provided. Collection method: clinical testing. Allele origin: germline. Affected: yes. Study: VKGL Data-share Consensus. Not counted in ClinVar's aggregate classification.

Joint Genome Diagnostic Labs from Nijmegen and Maastricht, Radboudumc and MUMC+
Classification: Likely benign. Review status: no assertion criteria provided. Collection method: clinical testing. Allele origin: germline. Affected: yes. Study: VKGL Data-share Consensus. Not counted in ClinVar's aggregate classification.

Literature cited by the submitters: PubMed 16683254 (cited by 4 submitters); PubMed 33471991 (cited by Color Diagnostics, LLC DBA Color Health).

NM_000059.4(BRCA2):c.5644T>C (p.Ser1882Pro)

Gene: BRCA2 (BRCA2 DNA repair associated; plus strand). Cytogenetic location: 13q13.1.
Variant type: single nucleotide variant.
Coding change: c.5644T>C on transcript NM_000059.4 (MANE Select); coding-DNA position 5644, T replaced by C.
Protein change: p.Ser1882Pro; replaces serine 1882 with proline.
Molecular consequence: missense variant.
Genome position (GRCh38, 1-based): chr13:32,339,999, T>C. VCF-style: chr13-32339999-T-C. GRCh37 (hg19) VCF-style: chr13-32914136-T-C.
Other names: p.S1882P:TCA>CCA; short protein forms S1882P.
Identifiers: ClinVar variation 182219 (VCV000182219.29), dbSNP rs730881538, ClinGen allele CA022814.